The following is an entry in ClinVar:

ClinVar aggregate classification (germline): Uncertain significance (1 of 4 stars; one submission).

Submission:

GeneDx
Classification: Uncertain significance. Last evaluated: 2023-05-24. Review status: criteria provided, single submitter. Criteria: GeneDx Variant Classification Process June 2021. Collection method: clinical testing. Allele origin: germline. Affected: yes.
Comment: Not observed at significant frequency in large population cohorts (gnomAD); In silico analysis supports that this missense variant has a deleterious effect on protein structure/function; Has not been previously published as pathogenic or benign to our knowledge

NM_138927.4(SON):c.2801C>G (p.Pro934Arg)

Gene: SON (SON DNA and RNA binding protein; plus strand). Cytogenetic location: 21q22.11.
Variant type: single nucleotide variant.
Coding change: c.2801C>G on transcript NM_138927.4 (MANE Select); coding-DNA position 2801, C replaced by G.
Protein change: p.Pro934Arg; replaces proline 934 with arginine.
Molecular consequence: missense variant. On other transcripts: non-coding transcript variant (1), intron variant (1).
Genome position (GRCh38, 1-based): chr21:33,552,032, C>G. VCF-style: chr21-33552032-C-G. GRCh37 (hg19) VCF-style: chr21-34924338-C-G.
Other names: c.2801C>G, p.Pro934Arg (NM_001291411.2, NM_032195.3); c.245-5124C>G (NM_001291412.3); short protein forms P934R.
Identifiers: ClinVar variation 3343719 (VCV003343719.1).